The following is an entry in ClinVar:

NM_001370298.3(FGD4):c.2122C>T (p.Pro708Ser)

Gene: FGD4 (FYVE, RhoGEF and PH domain containing 4; plus strand). Cytogenetic location: 12p11.21.
Variant type: single nucleotide variant.
Coding change: c.2122C>T on transcript NM_001370298.3 (MANE Select); coding-DNA position 2122, C replaced by T.
Protein change: p.Pro708Ser; replaces proline 708 with serine.
Molecular consequence: missense variant.
Genome position (GRCh38, 1-based): chr12:32,625,729, C>T. VCF-style: chr12-32625729-C-T. GRCh37 (hg19) VCF-style: chr12-32778663-C-T.
Other names: c.1966C>T, p.Pro656Ser (NM_001304481.2); c.967C>T, p.Pro323Ser (NM_001304483.2); c.679C>T, p.Pro227Ser (NM_001304484.2); c.1432C>T, p.Pro478Ser (NM_001330373.2, NM_001330374.2, NM_001384130.1); c.1159C>T, p.Pro387Ser (NM_001370297.1); c.2122C>T, p.Pro708Ser (NM_001384126.1); c.1711C>T, p.Pro571Ser (NM_001384127.1, NM_001384128.1, NM_001385118.1 and 1 more transcripts); short protein forms P387S, P478S, P571S, P656S, P227S, P323S, P708S.
Identifiers: ClinVar variation 645591 (VCV000645591.9), dbSNP rs144693221, ClinGen allele CA6506988.

ClinVar aggregate classification (germline): Uncertain significance (1 of 4 stars; one submission).

Conditions:
Charcot-Marie-Tooth disease type 4. Also called: Charcot-Marie-Tooth disease, type IV; Charcot-Marie-Tooth, Type 4. Identifiers: Orphanet 64749, MedGen C4082197, MONDO:0018995.

Allele frequency attached by ClinVar (database versions not stated): TOPMed 0.00015; 1000 Genomes Project 30x 0.00016.
gnomAD v4.1: 57 of 1,613,720 alleles (0.0035%); highest among the groups gnomAD compares: Admixed American, 0.023%; no homozygotes.

Submission:

Labcorp Genetics (formerly Invitae), Labcorp
Classification: Uncertain significance for Charcot-Marie-Tooth disease type 4. Last evaluated: 2025-10-01. Review status: criteria provided, single submitter. Criteria: Invitae Variant Classification Sherloc (09022015). Collection method: clinical testing. Allele origin: germline.
Comment: This sequence change replaces proline, which is neutral and non-polar, with serine, which is neutral and polar, at codon 571 of the FGD4 protein (p.Pro571Ser). This variant is present in population databases (rs144693221, gnomAD 0.03%). This variant has not been reported in the literature in individuals affected with FGD4-related conditions. ClinVar contains an entry for this variant (Variation ID: 645591). Invitae Evidence Modeling of protein sequence and biophysical properties (such as structural, functional, and spatial information, amino acid conservation, physicochemical variation, residue mobility, and thermodynamic stability) indicates that this missense variant is not expected to disrupt FGD4 protein function with a negative predictive value of 80%. In summary, the available evidence is currently insufficient to determine the role of this variant in disease. Therefore, it has been classified as a Variant of Uncertain Significance.